The following is an entry in ClinVar:

ClinVar aggregate classification (germline): Likely benign (1 of 4 stars; one submission).

gnomAD v4.1: 47 of 1,612,036 alleles (0.0029%); highest among the groups gnomAD compares: Middle Eastern, 0.016%; no homozygotes.

Submission:

Mayo Clinic Laboratories, Mayo Clinic
Classification: Likely benign. Last evaluated: 2025-09-01. Review status: criteria provided, single submitter. Criteria: ACMG Guidelines, 2015. Collection method: clinical testing. Allele origin: germline. Observed: 1 variant allele.
Comment: BP4, BP7

NM_001558.4(IL10RA):c.*3C>T

Gene: IL10RA (interleukin 10 receptor subunit alpha; plus strand). Cytogenetic location: 11q23.3.
Variant type: single nucleotide variant.
Coding change: c.*3C>T on transcript NM_001558.4 (MANE Select); 3 bases downstream of the stop codon, C replaced by T.
Molecular consequence: 3 prime UTR variant. On other transcripts: non-coding transcript variant (1).
Genome position (GRCh38, 1-based): chr11:117,999,644, C>T. VCF-style: chr11-117999644-C-T. GRCh37 (hg19) VCF-style: chr11-117870359-C-T.
Other names: c.*3C>T (NM_001440423.1).
Identifiers: ClinVar variation 4683693 (VCV004683693.1).